The following is an entry in ClinVar:

NM_000540.3(RYR1):c.4544T>C (p.Ile1515Thr)

Gene: RYR1 (ryanodine receptor 1; plus strand). Cytogenetic location: 19q13.2.
Variant type: single nucleotide variant.
Coding change: c.4544T>C on transcript NM_000540.3 (MANE Select); coding-DNA position 4544, T replaced by C.
Protein change: p.Ile1515Thr; replaces isoleucine 1515 with threonine.
Molecular consequence: missense variant.
Genome position (GRCh38, 1-based): chr19:38,478,524, T>C. VCF-style: chr19-38478524-T-C. GRCh37 (hg19) VCF-style: chr19-38969164-T-C.
Other names: c.4544T>C, p.Ile1515Thr (NM_001042723.2); short protein forms I1515T.
Identifiers: ClinVar variation 4756299 (VCV004756299.2).

ClinVar aggregate classification (germline): Uncertain significance. Review status: criteria provided, multiple submitters, no conflicts (2 of 4 stars). 2 submissions from 2 submitters: Uncertain significance (2). Last evaluated 2025-08-14.

Conditions:
Malignant hyperthermia, susceptibility to, 1 (MHS1). Also called: RYR1-Related Malignant Hyperthermia Susceptibility; Anesthesia related hyperthermia; Malignant hyperpyrexia; Fulminating hyperpyrexia; Pharmacogenic myopathy; Malignant hyperthermia suceptibility 1. Identifiers: Orphanet 423, MedGen C2930980, MONDO:0007783, OMIM 145600.

gnomAD v4.1: 3 of 1,614,124 alleles (0.00019%); highest among the groups gnomAD compares: South Asian, 0.0011%; no homozygotes.

Submissions (2):

Color Diagnostics, LLC DBA Color Health
Classification: Uncertain significance for Malignant hyperthermia, susceptibility to, 1. Last evaluated: 2025-08-14. Review status: criteria provided, single submitter. Criteria: ACMG Guidelines, 2015. Collection method: clinical testing. Allele origin: germline.
Comment: This missense variant replaces isoleucine with threonine at codon 1515 of the RYR1 protein. Computational prediction suggests that this variant may have deleterious impact on protein structure and function. To our knowledge, functional studies have not been reported for this variant. This variant has not been reported in individuals affected with RYR1-related disorders in the literature. This variant has been identified in 1/251426 chromosomes in the general population by the Genome Aggregation Database (gnomAD). The available evidence is insufficient to determine the role of this variant in disease conclusively. Therefore, this variant is classified as a Variant of Uncertain Significance.

Blueprint Genetics
Classification: Uncertain significance. Last evaluated: 2024-08-29. Review status: criteria provided, single submitter. Criteria: ACMG Guidelines, 2015. Collection method: clinical testing. Allele origin: germline.